The following is an entry in ClinVar:

NM_005491.5(MAMLD1):c.858G>T (p.Gln286His)

Gene: MAMLD1 (mastermind like domain containing 1; plus strand). Cytogenetic location: Xq28.
Variant type: single nucleotide variant.
Coding change: c.858G>T on transcript NM_005491.5 (MANE Select); coding-DNA position 858, G replaced by T.
Protein change: p.Gln286His; replaces glutamine 286 with histidine.
Molecular consequence: missense variant.
Genome position (GRCh38, 1-based): chrX:150,470,431, G>T. VCF-style: chrX-150470431-G-T. GRCh37 (hg19) VCF-style: chrX-149638703-G-T.
Other names: c.783G>T, p.Gln261His (NM_001177465.3, NM_001177466.3, NM_001400514.1); c.858G>T, p.Gln286His (NM_001400512.1, NM_001400513.1, NM_001400515.1); short protein forms Q261H, Q286H.
Identifiers: ClinVar variation 4859483 (VCV004859483.1).

ClinVar aggregate classification (germline): Uncertain significance (1 of 4 stars; one submission).

Conditions:
Inborn genetic diseases. Identifiers: MedGen C0950123, MeSH D030342.

Submission:

Ambry Genetics
Classification: Uncertain significance for Inborn genetic diseases. Last evaluated: 2026-03-31. Review status: criteria provided, single submitter. Criteria: Ambry Variant Classification Scheme 2023. Collection method: clinical testing. Allele origin: germline.
Comment: The c.858G>T (p.Q286H) alteration is located in exon 3 (coding exon 3) of the MAMLD1 gene. This alteration results from a G to T substitution at nucleotide position 858, causing the glutamine (Q) at amino acid position 286 to be replaced by a histidine (H). Based on data from gnomAD, the T allele has an overall frequency of <0.001% (1/182528) total alleles studied. The highest observed frequency was 0.001% (1/81188) of European (non-Finnish) alleles. Based on insufficient or conflicting evidence, the clinical significance of this alteration remains unclear.